The following is an entry in ClinVar:

ClinVar aggregate classification (germline): Likely benign (1 of 4 stars; one submission).

Submission:

Molecular Diagnostic Laboratory for Inherited Cardiovascular Disease, Montreal Heart Institute
Classification: Likely benign. Last evaluated: 2026-03-27. Review status: criteria provided, single submitter. Criteria: ACMG Guidelines, 2015. Collection method: clinical testing. Allele origin: germline. Affected: no.
Comment: BP7

NM_001134363.3(RBM20):c.1206T>C (p.Phe402=)

Gene: RBM20 (RNA binding motif protein 20; plus strand). Cytogenetic location: 10q25.2.
Variant type: single nucleotide variant.
Coding change: c.1206T>C on transcript NM_001134363.3 (MANE Select); coding-DNA position 1206, T replaced by C.
Protein change: p.Phe402=; no amino-acid change (phenylalanine 402 retained).
Molecular consequence: synonymous variant.
Genome position (GRCh38, 1-based): chr10:110,781,815, T>C. VCF-style: chr10-110781815-T-C. GRCh37 (hg19) VCF-style: chr10-112541573-T-C.
Identifiers: ClinVar variation 4820561 (VCV004820561.1).